The following is an entry in ClinVar:

NM_000321.3(RB1):c.308del (p.Ile103fs)

Gene: RB1 (RB transcriptional corepressor 1; plus strand). Cytogenetic location: 13q14.2.
Variant type: Deletion.
Coding change: c.308del on transcript NM_000321.3 (MANE Select); coding-DNA position 308, one base deleted (T; older notation c.308delT).
Protein change: p.Ile103fs; shifts the reading frame from isoleucine 103.
Molecular consequence: frameshift variant.
Genome position (GRCh38, 1-based): chr13:48,342,642, T deleted. VCF-style (leftmost placement, unchanged base first): chr13-48342641-AT-A. GRCh37 (hg19) VCF-style: chr13-48916777-AT-A.
Other names: c.308del, p.Ile103fs (NM_001407165.1, NM_001407166.1); short protein forms I103fs.
Identifiers: ClinVar variation 3237122 (VCV003237122.1), dbSNP rs2542155979.
Genomic context (GRCh38, chr13:48,342,641, plus strand): 5'-TTTATTTTTTGTTCCCAGGGAGGTTATATTCAAAAGAAAAAGGAACTGTGGGGAATCTGT[AT>A]CTTTATTGCAGCAGTTGACCTAGATGAGATGTCGTTCACTTTTACTGAGCTACAGAAAAA-3'

ClinVar aggregate classification (germline): Pathogenic (1 of 4 stars; one submission).

Conditions:
Retinoblastoma (RB1). Also called: RETINOBLASTOMA, SOMATIC. Identifiers: Orphanet 790, MedGen C0035335, MeSH D012175, MONDO:0008380, OMIM 180200, HP:0009919. Disease mechanism: loss of function. Inheritance: Both sporadic and heritable forms are tested..

Submission:

Genetic Diagnostic Laboratory, University of Pennsylvania School of Medicine
Classification: Pathogenic for Retinoblastoma. Last evaluated: 2024-05-20. Review status: criteria provided, single submitter. Criteria: ACMG Guidelines, 2015. Collection method: clinical testing. Allele origin: germline. Affected: yes. Observed: 1 variant allele.
Comment: Case and Pedigree Information: BILATERAL CASES:1, UNILATERAL CASES:0, TOTAL CASES:1, PEDIGREES:1. ACMG Codes Applied:PVS1, PM2